The following is an entry in ClinVar:

NM_000388.4(CASR):c.284A>G (p.Tyr95Cys)

Gene: CASR (calcium sensing receptor; plus strand). Cytogenetic location: 3q21.1.
Variant type: single nucleotide variant.
Coding change: c.284A>G on transcript NM_000388.4 (MANE Select); coding-DNA position 284, A replaced by G.
Protein change: p.Tyr95Cys; replaces tyrosine 95 with cysteine.
Molecular consequence: missense variant.
Genome position (GRCh38, 1-based): chr3:122,257,179, A>G. VCF-style: chr3-122257179-A-G. GRCh37 (hg19) VCF-style: chr3-121976026-A-G.
Other names: c.284A>G, p.Tyr95Cys (NM_001178065.2); short protein forms Y95C.
Identifiers: ClinVar variation 410334 (VCV000410334.10), dbSNP rs1060502850, ClinGen allele CA16611175.

ClinVar aggregate classification (germline): Likely pathogenic (1 of 4 stars; one submission).

Conditions:
Autosomal dominant hypocalcemia 1 (HYPOC1). Also called: HYPOCALCEMIA, FAMILIAL. Identifiers: MedGen C3715128, MONDO:0011013, OMIM 601198.
Familial hypocalciuric hypercalcemia (FHH). Also called: Familial benign hypercalcemia. Identifiers: Orphanet 405, MedGen C1809471, MONDO:0018458.

Submission:

Labcorp Genetics (formerly Invitae), Labcorp
Classification: Likely pathogenic for Familial hypocalciuric hypercalcemia; Autosomal dominant hypocalcemia 1. Last evaluated: 2025-10-20. Review status: criteria provided, single submitter. Criteria: Invitae Variant Classification Sherloc (09022015). Collection method: clinical testing. Allele origin: germline.
Comment: This sequence change replaces tyrosine, which is neutral and polar, with cysteine, which is neutral and slightly polar, at codon 95 of the CASR protein (p.Tyr95Cys). This variant is not present in population databases (gnomAD no frequency). This missense change has been observed in individual(s) with hypercalcemia (PMID: 31433865). Invitae Evidence Modeling of clinical and family history, age, sex, and reported ancestry of multiple individuals with this CASR variant has been performed. This variant is expected to be pathogenic with a positive predictive value of at least 99%. This is a validated machine learning model that incorporates the clinical features of 646,172 individuals referred to our laboratory for CASR testing. ClinVar contains an entry for this variant (Variation ID: 410334). An algorithm developed to predict the effect of missense changes on protein structure and function (PolyPhen-2) suggests that this variant is likely to be disruptive. In summary, the currently available evidence indicates that the variant is pathogenic, but additional data are needed to prove that conclusively. Therefore, this variant has been classified as Likely Pathogenic.

Literature cited by the submitters: PubMed 31433865.